The following is an entry in ClinVar:

ClinVar aggregate classification (germline): Uncertain significance. Review status: criteria provided, multiple submitters, no conflicts (2 of 4 stars). 3 submissions from 3 submitters: Uncertain significance (3). Last evaluated 2026-06-14.

Conditions:
PLEC-related disorder. Also called: PLEC-related condition; PLEC-related disorders.
Epidermolysis bullosa simplex with nail dystrophy (EBS5D). Identifiers: MedGen C4225309, MONDO:0014661, OMIM 616487.
Epidermolysis bullosa simplex, Ogna type (EBS5A). Also called: Pidermolysis bullosa simplex 5A, Ogna type; EPIDERMOLYSIS BULLOSA SIMPLEX 5A, OGNA TYPE. Identifiers: Orphanet 79401, MedGen C0432317, MONDO:0007555, OMIM 131950.
Epidermolysis bullosa simplex 5C, with pyloric atresia (EBS5C). Also called: PLEC-Related Epidermolysis Bullosa with Pyloric Atresia; Epidermolysis bullosa simplex with pyloric atresia; PLEC1-Related Epidermolysis Bullosa with Pyloric Atresia. Identifiers: Orphanet 158684, MedGen C2677349, MONDO:0012807, OMIM 612138.
Autosomal recessive limb-girdle muscular dystrophy type 2Q (LGMDR17). Also called: MUSCULAR DYSTROPHY, LIMB-GIRDLE, AUTOSOMAL RECESSIVE 17. Identifiers: Orphanet 254361, MedGen C3150989, MONDO:0013390, OMIM 613723.
Epidermolysis bullosa simplex 5B, with muscular dystrophy (EBS5B). Also called: Epidermolysis bullosa simplex with muscular dystrophy; EPIDERMOLYSIS BULLOSA SIMPLEX AND LIMB-GIRDLE MUSCULAR DYSTROPHY. Identifiers: Orphanet 257, MedGen C2931072, MONDO:0009181, OMIM 226670.

Allele frequency attached by ClinVar (database versions not stated): gnomAD exomes 0.00001; TOPMed 0.00001; gnomAD 0.00002; ExAC 0.00004; 1000 Genomes Project 30x 0.00016; 1000 Genomes Project 0.00020.
gnomAD v4.1: 13 of 1,607,588 alleles (0.00081%); highest among the groups gnomAD compares: Middle Eastern, 0.017%; no homozygotes.

Submissions (3):

PreventionGenetics, part of Exact Sciences
Classification: Uncertain significance for PLEC-related condition. Last evaluated: 2026-06-14. Review status: criteria provided, single submitter. Criteria: ACMG Guidelines, 2015. Collection method: clinical testing. Allele origin: germline.
Comment: The PLEC c.7067C>T variant is predicted to result in the amino acid substitution p.Ala2356Val. To our knowledge, this variant has not been reported in the literature. This variant is reported in 0.0034% of alleles in individuals of South Asian descent in gnomAD. At this time, the clinical significance of this variant is uncertain due to the absence of conclusive functional and genetic evidence.

Labcorp Genetics (formerly Invitae), Labcorp
Classification: Uncertain significance for Autosomal recessive limb-girdle muscular dystrophy type 2Q; Epidermolysis bullosa simplex, Ogna type; Epidermolysis bullosa simplex with nail dystrophy; Epidermolysis bullosa simplex 5C, with pyloric atresia; Epidermolysis bullosa simplex 5B, with muscular dystrophy. Last evaluated: 2025-03-04. Review status: criteria provided, single submitter. Criteria: Invitae Variant Classification Sherloc (09022015). Collection method: clinical testing. Allele origin: germline.
Comment: This sequence change replaces alanine, which is neutral and non-polar, with valine, which is neutral and non-polar, at codon 2356 of the PLEC protein (p.Ala2356Val). This variant is present in population databases (rs542830621, gnomAD 0.003%). This variant has not been reported in the literature in individuals affected with PLEC-related conditions. ClinVar contains an entry for this variant (Variation ID: 2435054). An algorithm developed to predict the effect of missense changes on protein structure and function (PolyPhen-2) suggests that this variant is likely to be disruptive. In summary, the available evidence is currently insufficient to determine the role of this variant in disease. Therefore, it has been classified as a Variant of Uncertain Significance.

Revvity Omics, Revvity
Classification: Uncertain significance. Last evaluated: 2019-10-30. Review status: criteria provided, single submitter. Criteria: ACMG Guidelines, 2015. Collection method: clinical testing. Allele origin: germline.

NM_201384.3(PLEC):c.6986C>T (p.Ala2329Val)

Gene: PLEC (plectin; minus strand). Cytogenetic location: 8q24.3.
Variant type: single nucleotide variant.
Coding change: c.6986C>T on transcript NM_201384.3 (MANE Select); coding-DNA position 6986, C replaced by T.
Protein change: p.Ala2329Val; replaces alanine 2329 with valine.
Molecular consequence: missense variant.
Genome position (GRCh38, 1-based): chr8:143,922,943, G>A on the plus strand (C>T on the coding strand, the complement: PLEC is on the minus strand). VCF-style: chr8-143922943-G-A. GRCh37 (hg19) VCF-style: chr8-144997111-G-A.
Other names: c.7067C>T, p.Ala2356Val (NM_000445.5); c.6944C>T, p.Ala2315Val (NM_201378.4); c.6920C>T, p.Ala2307Val (NM_201379.3); c.7397C>T, p.Ala2466Val (NM_201380.4); c.6890C>T, p.Ala2297Val (NM_201381.3); c.6986C>T, p.Ala2329Val (NM_201382.4); c.6998C>T, p.Ala2333Val (NM_201383.3); c.7067C>T (NM_000445.4); short protein forms A2297V, A2307V, A2315V, A2329V, A2333V, A2356V, A2466V.
Identifiers: ClinVar variation 2435054 (VCV002435054.7), dbSNP rs542830621, ClinGen allele CA4925791.
Genomic context (GRCh38, chr8:143,922,943, plus strand): 5'-TCCTCCTGCAGCCGCCGCGCCTGCTCCTGCGCAAGCTCCTTCTGCTGCTGCAGCAGTTCC[G>A]CCTCAGCCTTGAGTCGCGTGGCCTCCTGCACCGCCTGCATCTTCTCCTTGAGCATCTTCT-3'
Protein context (NP_958786.1, residues 2319-2339): VQEATRLKAE[Ala2329Val]ELLQQQKELA